The following is an entry in ClinVar:

NM_144997.7(FLCN):c.895T>G (p.Trp299Gly)

Gene: FLCN (folliculin; minus strand). Cytogenetic location: 17p11.2.
Variant type: single nucleotide variant.
Coding change: c.895T>G on transcript NM_144997.7 (MANE Select); coding-DNA position 895, T replaced by G.
Protein change: p.Trp299Gly; replaces tryptophan 299 with glycine.
Molecular consequence: missense variant.
Genome position (GRCh38, 1-based): chr17:17,219,186, A>C on the plus strand (T>G on the coding strand, the complement: FLCN is on the minus strand). VCF-style: chr17-17219186-A-C. GRCh37 (hg19) VCF-style: chr17-17122500-A-C.
Other names: c.949T>G, p.Trp317Gly (NM_001353229.2); c.895T>G, p.Trp299Gly (NM_001353230.2, NM_001353231.2); short protein forms W317G, W299G.
Identifiers: ClinVar variation 2176197 (VCV002176197.4), dbSNP rs763092545, ClinGen allele CA8416198.

ClinVar aggregate classification (germline): Uncertain significance (1 of 4 stars; one submission).

Conditions:
Birt-Hogg-Dube syndrome. Also called: Birt Hogg Dubé syndrome. Identifiers: Orphanet 122, MedGen C0346010, MONDO:0800444.

Allele frequency attached by ClinVar (database versions not stated): gnomAD exomes below 0.00001; ExAC 0.00001.
gnomAD v4.1: 1 of 1,614,170 alleles (0.000062%); no homozygotes.

Submission:

Labcorp Genetics (formerly Invitae), Labcorp
Classification: Uncertain significance for Birt-Hogg-Dube syndrome. Last evaluated: 2022-05-18. Review status: criteria provided, single submitter. Criteria: Invitae Variant Classification Sherloc (09022015). Collection method: clinical testing. Allele origin: germline.
Comment: In summary, the available evidence is currently insufficient to determine the role of this variant in disease. Therefore, it has been classified as a Variant of Uncertain Significance. Algorithms developed to predict the effect of missense changes on protein structure and function (SIFT, PolyPhen-2, Align-GVGD) all suggest that this variant is likely to be tolerated. This variant has not been reported in the literature in individuals affected with FLCN-related conditions. This variant is present in population databases (rs763092545, gnomAD 0.01%). This sequence change replaces tryptophan, which is neutral and slightly polar, with glycine, which is neutral and non-polar, at codon 299 of the FLCN protein (p.Trp299Gly).